The following is an entry in ClinVar:

NM_000548.5(TSC2):c.4136C>T (p.Ser1379Leu)

Gene: TSC2 (TSC complex subunit 2; plus strand). Cytogenetic location: 16p13.3.
Variant type: single nucleotide variant.
Coding change: c.4136C>T on transcript NM_000548.5 (MANE Select); coding-DNA position 4136, C replaced by T.
Protein change: p.Ser1379Leu; replaces serine 1379 with leucine.
Molecular consequence: missense variant.
Genome position (GRCh38, 1-based): chr16:2,084,358, C>T. VCF-style: chr16-2084358-C-T. GRCh37 (hg19) VCF-style: chr16-2134359-C-T.
Other names: p.S1379L:TCG>TTG; p.Ser1379Leu; c.3935C>T, p.Ser1312Leu (NM_001077183.3); c.4067C>T, p.Ser1356Leu (NM_001114382.3); c.3827C>T, p.Ser1276Leu (NM_001318827.2); c.3791C>T, p.Ser1264Leu (NM_001318829.2); c.3404C>T, p.Ser1135Leu (NM_001318831.2); c.3968C>T, p.Ser1323Leu (NM_001318832.2); and 4 more; short protein forms S1379L, S1276L, S1313L, S1356L, S1135L, S1335L, S1264L, S1312L.
Identifiers: ClinVar variation 65358 (VCV000065358.33), dbSNP rs137854065, ClinGen allele CA019991.
Genomic context (GRCh38, chr16:2,084,358, plus strand): 5'-TCGAGCGAGTCGTCTCCTCGGAGGGTGGCCGGCCCTCTGTGGACCTCTCCTTCCAGCCCT[C>T]GCAGCCCCTGAGCAAGTCCAGCTCCTCTCCCGAGCTGCAGACTCTGCAGGACATCCTCGG-3'
Protein context (NP_000539.2, residues 1369-1389): RPSVDLSFQP[Ser1379Leu]QPLSKSSSSP

ClinVar aggregate classification (germline): Conflicting classifications of pathogenicity. Review status: criteria provided, conflicting classifications (1 of 4 stars). 15 submissions from 15 submitters: Uncertain significance (4); Benign (2); Likely benign (7). 2 of the submissions do not count toward it. Last evaluated 2026-01-26.

Conditions:
TSC2-related disorder. Also called: TSC2-Related Disorders; TSC2-related condition.
Hereditary cancer-predisposing syndrome. Also called: Tumor predisposition; Neoplastic Syndromes, Hereditary; Hereditary neoplastic syndrome; Hereditary Cancer Syndrome. Identifiers: Orphanet 140162, MedGen C0027672, MeSH D009386, MONDO:0015356.
Tuberous sclerosis syndrome (TSC). Also called: Tuberous Sclerosis Complex; Tuberous sclerosis. Identifiers: Orphanet 805, MedGen C0041341, MONDO:0001734.
Tuberous sclerosis 2 (TSC2). Identifiers: Orphanet 805, MedGen C1860707, MONDO:0013199, OMIM 613254.

Allele frequency attached by ClinVar (database versions not stated): ExAC 0.00001; gnomAD exomes 0.00002; gnomAD 0.00007; TOPMed 0.00008.
gnomAD v4.1: 133 of 1,612,548 alleles (0.0082%); highest among the groups gnomAD compares: Non-Finnish European, 0.01%; no homozygotes.

Submissions (15):

Labcorp Genetics (formerly Invitae), Labcorp
Classification: Benign for Tuberous sclerosis 2. Last evaluated: 2026-01-26. Review status: criteria provided, single submitter. Criteria: Invitae Variant Classification Sherloc (09022015). Collection method: clinical testing. Allele origin: germline.

Women's Health and Genetics/Laboratory Corporation of America, LabCorp
Classification: Likely benign. Last evaluated: 2025-07-30. Review status: criteria provided, single submitter. Criteria: LabCorp Variant Classification Summary - May 2015. Collection method: clinical testing. Allele origin: germline.
Comment: Variant summary: TSC2 c.4136C>T (p.Ser1379Leu) results in a non-conservative amino acid change in the encoded protein sequence. Algorithms developed to predict the effect of missense changes on protein structure and function are either unavailable or do not agree on the potential impact of this missense change. The variant allele was found at a frequency of 2.4e-05 in 248902 control chromosomes in gnomAD v2. A total of 133 heterozygotes of this variant was found in gnomAD v4. c.4136C>T has been observed in one individual affected with Tuberous Sclerosis Complex without strong evidence for causality (Togi_2022). These report(s) do not provide unequivocal conclusions about association of the variant with Tuberous Sclerosis Complex. To our knowledge, no experimental evidence demonstrating an impact on protein function has been reported. The following publication has been ascertained in the context of this evaluation (PMID: 36232477). ClinVar contains an entry for this variant (Variation ID: 65358). Based on the evidence outlined above, the variant was classified as likely benign.

Myriad Genetics, Inc.
Classification: Likely benign for Tuberous sclerosis 2. Last evaluated: 2025-06-02. Review status: criteria provided, single submitter. Criteria: Myriad Autosomal Dominant, Autosomal Recessive and X-Linked Classification Criteria (2023). Collection method: clinical testing. Allele origin: unknown.
Comment: This variant is considered likely benign. This variant has been observed at a population frequency that is significantly greater than expected given the associated disease prevalence and penetrance.

Quest Diagnostics Nichols Institute San Juan Capistrano
Classification: Uncertain significance. Last evaluated: 2024-10-10. Review status: criteria provided, single submitter. Criteria: Quest Diagnostics criteria. Collection method: clinical testing. Allele origin: unknown.
Comment: The TSC2 c.4136C>T (p.Ser1379Leu) variant has been reported as a somatic variant in refractory multiple myeloma (PMID: 35768438 (2022)) and supratentorial ependymoma (PMID: 31375768 (2020)). Additionally, this variant has been reported in an individual suspected of tuberous sclerosis (PMID: 22903760 (2012)) as well as a child with tuberous sclerosis (PMID: 36232477 (2022)). The frequency of this variant in the general population, 0.00012 (8/68026 chromosomes in European (non-Finnish) subpopulation (Genome Aggregation Database)), is higher than would generally be expected for pathogenic variants in this gene. Analysis of this variant using bioinformatics tools for the prediction of the effect of amino acid changes on protein structure and function yielded conflicting predictions that this variant is benign or damaging. Additional analysis using software algorithms for the prediction of the effect of nucleotide changes on TSC2 mRNA splicing yielded predictions that this variant may result in the gain of a cryptic splice site without affecting the natural splice sites. Based on the available information, we are unable to determine the clinical significance of this variant.

Blueprint Genetics
Classification: Likely benign. Last evaluated: 2024-08-23. Review status: criteria provided, single submitter. Criteria: ACMG Guidelines, 2015. Collection method: clinical testing. Allele origin: germline.

Mayo Clinic Laboratories, Mayo Clinic
Classification: Uncertain significance. Last evaluated: 2023-10-20. Review status: criteria provided, single submitter. Criteria: ACMG Guidelines, 2015. Collection method: clinical testing. Allele origin: germline. Observed: 5 variant alleles.

Color Diagnostics, LLC DBA Color Health
Classification: Likely benign for Tuberous sclerosis syndrome. Last evaluated: 2022-08-10. Review status: criteria provided, single submitter. Criteria: ACMG Guidelines, 2015. Collection method: clinical testing. Allele origin: germline.

Division of Genomic Medicine, Department of Advanced Medicine, Medical Research Institute, Kanazawa Medical University
Classification: Uncertain significance for Tuberous sclerosis 2. Last evaluated: 2022-08-05. Review status: criteria provided, single submitter. Criteria: ACMG Guidelines, 2015. Collection method: clinical testing. Allele origin: germline. Affected: yes. Observed: 1 variant allele.

Genome-Nilou Lab
Classification: Likely benign for Tuberous sclerosis 2. Last evaluated: 2021-11-07. Review status: criteria provided, single submitter. Criteria: ACMG Guidelines, 2015. Collection method: clinical testing. Allele origin: germline. Affected: no.

Ambry Genetics
Classification: Benign for Hereditary cancer-predisposing syndrome. Last evaluated: 2021-01-27. Review status: criteria provided, single submitter. Criteria: Ambry Variant Classification Scheme 2023. Collection method: clinical testing. Allele origin: germline.

Sema4
Classification: Likely benign for Hereditary cancer-predisposing syndrome. Last evaluated: 2020-11-11. Review status: criteria provided, single submitter. Criteria: Sema4 Curation Guidelines. Collection method: curation. Allele origin: germline.

GeneDx
Classification: Likely benign. Last evaluated: 2020-09-09. Review status: criteria provided, single submitter. Criteria: GeneDx Variant Classification Process June 2021. Collection method: clinical testing. Allele origin: germline. Affected: yes.
Comment: This variant is associated with the following publications: (PMID: 22903760, 23514105)

Eurofins Ntd Llc (ga)
Classification: Uncertain significance. Last evaluated: 2018-01-05. Review status: criteria provided, single submitter. Criteria: EGL Classification Definitions 2015. Collection method: clinical testing. Allele origin: germline. Observed: 1 variant allele, 1 heterozygote.

PreventionGenetics, part of Exact Sciences
Classification: Likely benign for TSC2-related condition. Last evaluated: 2021-08-25. Review status: no assertion criteria provided. Collection method: clinical testing. Allele origin: germline. Not counted in ClinVar's aggregate classification.
Comment: This variant is classified as likely benign based on ACMG/AMP sequence variant interpretation guidelines (Richards et al. 2015 PMID: 25741868, with internal and published modifications).

Tuberous sclerosis database (TSC2)
No classification provided. Condition: TSC. Review status: no classification provided. Criteria: Tuberous Sclerosis Database Assertion Criteria 2015. Collection method: curation. Allele origin: germline. Affected: yes. Not counted in ClinVar's aggregate classification.

Literature cited by the submitters: PubMed 36232477 (cited by Women's Health and Genetics/Laboratory Corporation of America, LabCorp and Quest Diagnostics Nichols Institute San Juan Capistrano); PubMed 23514105 (cited by Quest Diagnostics Nichols Institute San Juan Capistrano); PubMed 35768438 (cited by Quest Diagnostics Nichols Institute San Juan Capistrano); PubMed 31819260 (cited by Quest Diagnostics Nichols Institute San Juan Capistrano); PubMed 31375768 (cited by Quest Diagnostics Nichols Institute San Juan Capistrano); PubMed 30787465 (cited by Quest Diagnostics Nichols Institute San Juan Capistrano); PubMed 34804623 (cited by Quest Diagnostics Nichols Institute San Juan Capistrano); PubMed 22903760 (cited by 3 submitters).